The following is an entry in ClinVar:

NM_001378615.1(CC2D2A):c.770T>G (p.Leu257Ter)

Genes: CC2D2A (coiled-coil and C2 domain containing 2A; plus strand), FBXL5 (F-box and leucine rich repeat protein 5; minus strand). Cytogenetic location: 4p15.32.
Variant type: single nucleotide variant.
Coding change: c.770T>G on transcript NM_001378615.1 (MANE Select); coding-DNA position 770, T replaced by G.
Protein change: p.Leu257Ter; replaces leucine 257 with a stop codon.
Molecular consequence: nonsense.
Genome position (GRCh38, 1-based): chr4:15,514,759, T>G. VCF-style: chr4-15514759-T-G. GRCh37 (hg19) VCF-style: chr4-15516382-T-G.
Other names: c.770T>G, p.Leu257Ter (NM_001080522.2); c.623T>G, p.Leu208Ter (NM_001378617.1); short protein forms L208*, L257*.
Identifiers: ClinVar variation 2438883 (VCV002438883.4), dbSNP rs2474921047, ClinGen allele CA356409230.

ClinVar aggregate classification (germline): Pathogenic/Likely pathogenic. Review status: criteria provided, multiple submitters, no conflicts (2 of 4 stars). 2 submissions from 2 submitters: Pathogenic (1); Likely pathogenic (1). Last evaluated 2025-01-07.

Conditions:
Joubert syndrome 9 (JBTS9). Identifiers: Orphanet 2318, MedGen C2676788, MONDO:0012849, OMIM 612285.

Submissions (2):

3billion
Classification: Pathogenic for Joubert syndrome 9. Last evaluated: 2025-01-07. Review status: criteria provided, single submitter. Criteria: ACMG Guidelines, 2015. Collection method: clinical testing. Allele origin: germline. Affected: yes.
Comment: The variant is not observed in the gnomAD v4.1.0 dataset. Predicted Consequence/Location: Stop-gained (nonsense): predicted to result in a loss or disruption of normal protein function through nonsense-mediated decay (NMD) or protein truncation. Multiple pathogenic variants are reported downstream of the variant. The variant is in trans with NM_001378615.1:c.2162C>T he variant has been reported to be associated with CC2D2A-related disorder (ClinVar ID: VCV002438883). Therefore, this variant is classified as Pathogenic according to the recommendation of ACMG/AMP guideline.

Revvity Omics, Revvity
Classification: Likely pathogenic. Last evaluated: 2021-12-15. Review status: criteria provided, single submitter. Criteria: ACMG Guidelines, 2015. Collection method: clinical testing. Allele origin: germline.